The following is an entry in ClinVar:

NM_001277115.2(DNAH11):c.13495G>T (p.Glu4499Ter)

Genes: CDCA7L (cell division cycle associated 7 like; minus strand), DNAH11 (dynein axonemal heavy chain 11; plus strand). Cytogenetic location: 7p15.3.
Variant type: single nucleotide variant.
Coding change: c.13495G>T on transcript NM_001277115.2 (MANE Select); coding-DNA position 13495, G replaced by T.
Protein change: p.Glu4499Ter; replaces glutamic acid 4499 with a stop codon.
Molecular consequence: nonsense. On other transcripts: 3 prime UTR variant (3).
Genome position (GRCh38, 1-based): chr7:21,901,198, G>T. VCF-style: chr7-21901198-G-T. GRCh37 (hg19) VCF-style: chr7-21940816-G-T.
Other names: c.*1124C>A (NM_001127370.3, NM_001127371.3, NM_018719.5); short protein forms E4499*.
Identifiers: ClinVar variation 4723553 (VCV004723553.1).
Genomic context (GRCh38, chr7:21,901,198, plus strand): 5'-CCTGTGTATAGAACCAAACTGAGAGGCCCCAGCTACATCTGGACCTTCAGGCTGAAGAGC[G>T]AAGAGAAGACTGCAAAATGGGTTCTGGCTGGAGTGGCTCTGCTTCTAGAAGCGTAAGGTA-3'

ClinVar aggregate classification (germline): Pathogenic (1 of 4 stars; one submission).

Conditions:
Primary ciliary dyskinesia. Also called: Ciliary dyskinesia. Identifiers: Orphanet 244, MedGen C0008780, MONDO:0016575, HP:0012265.

gnomAD v4.1: 2 of 1,613,662 alleles (0.00012%); highest among the groups gnomAD compares: Non-Finnish European, 0.00017%; no homozygotes.

Submission:

Labcorp Genetics (formerly Invitae), Labcorp
Classification: Pathogenic for Primary ciliary dyskinesia. Last evaluated: 2025-07-20. Review status: criteria provided, single submitter. Criteria: Invitae Variant Classification Sherloc (09022015). Collection method: clinical testing. Allele origin: germline.
Comment: This sequence change creates a premature translational stop signal (p.Glu4499*) in the DNAH11 gene. While this is not anticipated to result in nonsense mediated decay, it is expected to disrupt the last 18 amino acid(s) of the DNAH11 protein. This variant is not present in population databases (gnomAD no frequency). This variant has not been reported in the literature in individuals affected with DNAH11-related conditions. This variant disrupts a region of the DNAH11 protein in which other variant(s) (p.Trp4505Serfs*10) have been determined to be pathogenic (internal data). This suggests that this is a clinically significant region of the protein, and that variants that disrupt it are likely to be disease-causing. For these reasons, this variant has been classified as Pathogenic.